The following is an entry in ClinVar:

ClinVar aggregate classification (germline): Conflicting classifications of pathogenicity. Review status: criteria provided, conflicting classifications (1 of 4 stars). 4 submissions from 4 submitters: Uncertain significance (1); Benign (1); Likely benign (2). Last evaluated 2026-09-01.

Allele frequency attached by ClinVar (database versions not stated): gnomAD 0.00147 and 0.00151; 1000 Genomes Project 30x 0.00156; gnomAD exomes 0.00161; 1000 Genomes Project 0.00180; ESP Exome Variant Server 0.00123; ExAC 0.00139; TOPMed 0.00146.

Submissions (4):

CeGaT Center for Human Genetics Tuebingen
Classification: Likely benign. Last evaluated: 2026-09-01. Review status: criteria provided, single submitter. Criteria: CeGaT Center For Human Genetics Tuebingen Variant Classification Criteria Version 2. Collection method: clinical testing. Allele origin: germline. Affected: yes. Observed: 9 variant alleles.
Comment: BRF1: BP4, BP7

Blueprint Genetics
Classification: Likely benign. Last evaluated: 2024-11-24. Review status: criteria provided, single submitter. Criteria: ACMG Guidelines, 2015. Collection method: clinical testing. Allele origin: germline.

Institute for Clinical Genetics, University Hospital TU Dresden, University Hospital TU Dresden
Classification: Uncertain significance. Last evaluated: 2021-11-03. Review status: criteria provided, single submitter. Criteria: ACMG Guidelines, 2015. Collection method: clinical testing. Allele origin: germline.

Labcorp Genetics (formerly Invitae), Labcorp
Classification: Benign. Last evaluated: 2019-12-31. Review status: criteria provided, single submitter. Criteria: Invitae Variant Classification Sherloc (09022015). Collection method: clinical testing. Allele origin: germline.

NM_001519.4(BRF1):c.696G>A (p.Ala232=)

Gene: BRF1 (BRF1 general transcription factor IIIB subunit; minus strand). Cytogenetic location: 14q32.33.
Variant type: single nucleotide variant.
Coding change: c.696G>A on transcript NM_001519.4 (MANE Select); coding-DNA position 696, G replaced by A.
Protein change: p.Ala232=; no amino-acid change (alanine 232 retained).
Molecular consequence: synonymous variant. On other transcripts: 5 prime UTR variant (1).
Genome position (GRCh38, 1-based): chr14:105,228,912, C>T on the plus strand (G>A on the coding strand, the complement: BRF1 is on the minus strand). VCF-style: chr14-105228912-C-T. GRCh37 (hg19) VCF-style: chr14-105695249-C-T.
Other names: c.351G>A, p.Ala117= (NM_001242786.2, NM_001242787.2); c.615G>A, p.Ala205= (NM_001242788.2); c.-19G>A (NM_001242789.2); c.84G>A, p.Ala28= (NM_145685.3).
Identifiers: ClinVar variation 788122 (VCV000788122.47), dbSNP rs142328073, ClinGen allele CA7387514.